The following is an entry in ClinVar:

ClinVar aggregate classification (germline): Likely benign (1 of 4 stars; one submission).

Allele frequency attached by ClinVar (database versions not stated): ExAC 0.00001; gnomAD 0.00001; TOPMed 0.00001; gnomAD exomes 0.00002; 1000 Genomes Project 0.00020; 1000 Genomes Project 30x 0.00031.

Submission:

CeGaT Center for Human Genetics Tuebingen
Classification: Likely benign. Last evaluated: 2023-03-01. Review status: criteria provided, single submitter. Criteria: CeGaT Center For Human Genetics Tuebingen Variant Classification Criteria Version 2. Collection method: clinical testing. Allele origin: germline. Affected: yes. Observed: 1 variant allele.
Comment: PHLDB1: BP4

NM_001144758.3(PHLDB1):c.3654+5A>G

Gene: PHLDB1 (pleckstrin homology like domain family B member 1; plus strand). Cytogenetic location: 11q23.3.
Variant type: single nucleotide variant.
Coding change: c.3654+5A>G on transcript NM_001144758.3 (MANE Select); 5 bases into the intron after coding-DNA position 3654, A replaced by G.
Molecular consequence: intron variant.
Genome position (GRCh38, 1-based): chr11:118,648,081, A>G. VCF-style: chr11-118648081-A-G. GRCh37 (hg19) VCF-style: chr11-118518797-A-G.
Other names: c.3654+5A>G (NM_015157.4); c.3513+5A>G (NM_001144759.3).
Identifiers: ClinVar variation 2642443 (VCV002642443.24), dbSNP rs202013831, ClinGen allele CA6307477.